The following is an entry in ClinVar:

ClinVar aggregate classification (germline): Uncertain significance (1 of 4 stars; one submission).

Submission:

Labcorp Genetics (formerly Invitae), Labcorp
Classification: Uncertain significance. Last evaluated: 2022-05-06. Review status: criteria provided, single submitter. Criteria: Invitae Variant Classification Sherloc (09022015). Collection method: clinical testing. Allele origin: germline.
Comment: In summary, the available evidence is currently insufficient to determine the role of this variant in disease. Therefore, it has been classified as a Variant of Uncertain Significance. Algorithms developed to predict the effect of missense changes on protein structure and function (SIFT, PolyPhen-2, Align-GVGD) all suggest that this variant is likely to be tolerated. This variant has not been reported in the literature in individuals affected with POLE-related conditions. This variant is not present in population databases (gnomAD no frequency). This sequence change replaces threonine, which is neutral and polar, with alanine, which is neutral and non-polar, at codon 1188 of the POLE protein (p.Thr1188Ala).

NM_006231.4(POLE):c.3562A>G (p.Thr1188Ala)

Gene: POLE (DNA polymerase epsilon, catalytic subunit; minus strand). Cytogenetic location: 12q24.33.
Variant type: single nucleotide variant.
Coding change: c.3562A>G on transcript NM_006231.4 (MANE Select); coding-DNA position 3562, A replaced by G.
Protein change: p.Thr1188Ala; replaces threonine 1188 with alanine.
Molecular consequence: missense variant.
Genome position (GRCh38, 1-based): chr12:132,657,156, T>C on the plus strand (A>G on the coding strand, the complement: POLE is on the minus strand). VCF-style: chr12-132657156-T-C. GRCh37 (hg19) VCF-style: chr12-133233742-T-C.
Other names: short protein forms T1188A.
Identifiers: ClinVar variation 1423089 (VCV001423089.6), dbSNP rs2138656220, ClinGen allele CA387388347.
Genomic context (GRCh38, chr12:132,657,156, plus strand): 5'-AAGGATCCCGCCCAGCCCAGCCTTGGGGCCCCACCGTCACCTGTCTCCTGCCCTCCAGGG[T>C]GAAGAGCTCACTGATCTTCTTCTGCTTGTAGACATCATTCTTCTCCAGCAGTTTTTTGTG-3'
Protein context (NP_006222.2, residues 1178-1198): YKQKKISELF[Thr1188Ala]LEGRRQVTMA